The following is an entry in ClinVar:

ClinVar aggregate classification (germline): Uncertain significance. Review status: criteria provided, multiple submitters, no conflicts (2 of 4 stars). 2 submissions from 2 submitters: Uncertain significance (2). Last evaluated 2025-12-23.

Conditions:
Malignant hyperthermia, susceptibility to, 5 (MHS5). Also called: CACNA1S-Related Malignant Hyperthermia Susceptibility. Identifiers: Orphanet 423, MedGen C1866077, MONDO:0011163, OMIM 601887.
Hypokalemic periodic paralysis, type 1. Also called: Hypokalemic Periodic Paralysis Type 1 (AD); HypoPP. Identifiers: Orphanet 681, MedGen C3714580, MONDO:0042979, OMIM 170400.

gnomAD v4.1: 1 of 1,613,806 alleles (0.000062%); highest among the groups gnomAD compares: Non-Finnish European, 0.000085%; no homozygotes.

Submissions (2):

Labcorp Genetics (formerly Invitae), Labcorp
Classification: Uncertain significance for Hypokalemic periodic paralysis, type 1; Malignant hyperthermia, susceptibility to, 5. Last evaluated: 2025-12-23. Review status: criteria provided, single submitter. Criteria: Invitae Variant Classification Sherloc (09022015). Collection method: clinical testing. Allele origin: germline.
Comment: This sequence change replaces serine, which is neutral and polar, with threonine, which is neutral and polar, at codon 1617 of the CACNA1S protein (p.Ser1617Thr). This variant is not present in population databases (gnomAD no frequency). This variant has not been reported in the literature in individuals affected with CACNA1S-related conditions. ClinVar contains an entry for this variant (Variation ID: 3386288). Invitae Evidence Modeling of protein sequence and biophysical properties (such as structural, functional, and spatial information, amino acid conservation, physicochemical variation, residue mobility, and thermodynamic stability) indicates that this missense variant is not expected to disrupt CACNA1S protein function with a negative predictive value of 95%. In summary, the available evidence is currently insufficient to determine the role of this variant in disease. Therefore, it has been classified as a Variant of Uncertain Significance.

All of Us Research Program, National Institutes of Health
Classification: Uncertain significance for Malignant hyperthermia, susceptibility to, 5. Last evaluated: 2024-05-30. Review status: criteria provided, single submitter. Criteria: ACMG Guidelines, 2015. Collection method: clinical testing. Allele origin: germline. Inheritance: Autosomal dominant inheritance. Observed: 1 variant allele, 1 heterozygote.
Comment: This missense variant replaces serine with threonine at codon 1617 of the CACNA1S protein. Computational prediction suggests that this variant may not impact protein structure and function (internally defined REVEL score threshold <= 0.5, PMID: 27666373). To our knowledge, functional studies have not been reported for this variant. This variant has not been reported in individuals affected with CACNA1S-related disorders in the literature. This variant has not been identified in the general population by the Genome Aggregation Database (gnomAD). The available evidence is insufficient to determine the role of this variant in disease conclusively. Therefore, this variant is classified as a Variant of Uncertain Significance.

This study involves interpretation of variants in research participants for the purpose of population health screening. Participant phenotype was not available at the time of variant classification. Additional details can be found in publication PMID: 35346344, PMCID: PMC8962531

NM_000069.3(CACNA1S):c.4849T>A (p.Ser1617Thr)

Gene: CACNA1S (calcium voltage-gated channel subunit alpha1 S; minus strand). Cytogenetic location: 1q32.1.
Variant type: single nucleotide variant.
Coding change: c.4849T>A on transcript NM_000069.3 (MANE Select); coding-DNA position 4849, T replaced by A.
Protein change: p.Ser1617Thr; replaces serine 1617 with threonine.
Molecular consequence: missense variant.
Genome position (GRCh38, 1-based): chr1:201,043,480, A>T on the plus strand (T>A on the coding strand, the complement: CACNA1S is on the minus strand). VCF-style: chr1-201043480-A-T. GRCh37 (hg19) VCF-style: chr1-201012608-A-T.
Other names: short protein forms S1617T.
Identifiers: ClinVar variation 3386288 (VCV003386288.2).